The following is an entry in ClinVar:

NM_001146079.2(CLDN14):c.660T>A (p.Asn220Lys)

Genes: CLDN14 (claudin 14; minus strand), CLDN14-AS1 (CLDN14 antisense RNA 1; plus strand). Cytogenetic location: 21q22.13.
Variant type: single nucleotide variant.
Coding change: c.660T>A on transcript NM_001146079.2 (MANE Select); coding-DNA position 660, T replaced by A.
Protein change: p.Asn220Lys; replaces asparagine 220 with lysine.
Molecular consequence: missense variant.
Genome position (GRCh38, 1-based): chr21:36,461,036, A>T on the plus strand (T>A on the coding strand, the complement: CLDN14 is on the minus strand). VCF-style: chr21-36461036-A-T. GRCh37 (hg19) VCF-style: chr21-37833334-A-T.
Other names: c.660T>A, p.Asn220Lys (NM_001146077.2, NM_001146078.3, NM_012130.4 and 1 more transcripts); short protein forms N220K.
Identifiers: ClinVar variation 3391595 (VCV003391595.1).

ClinVar aggregate classification (germline): Uncertain significance (1 of 4 stars; one submission).

Submission:

GeneDx
Classification: Uncertain significance. Last evaluated: 2024-06-18. Review status: criteria provided, single submitter. Criteria: GeneDx Variant Classification Process June 2021. Collection method: clinical testing. Allele origin: germline. Affected: yes.
Comment: Not observed at significant frequency in large population cohorts (gnomAD); In silico analysis indicates that this missense variant does not alter protein structure/function; Has not been previously published as pathogenic or benign to our knowledge